The following is an entry in ClinVar:

NM_024426.6(WT1):c.416C>G (p.Pro139Arg)

Genes: WT1 (WT1 transcription factor; minus strand), LOC107982234 (WT1/WT1-AS bi-directional promoter region; plus strand). Cytogenetic location: 11p13.
Variant type: single nucleotide variant.
Coding change: c.416C>G on transcript NM_024426.6 (MANE Select); coding-DNA position 416, C replaced by G.
Protein change: p.Pro139Arg; replaces proline 139 with arginine.
Molecular consequence: missense variant. On other transcripts: non-coding transcript variant (1).
Genome position (GRCh38, 1-based): chr11:32,434,945, G>C on the plus strand (C>G on the coding strand, the complement: WT1 is on the minus strand). VCF-style: chr11-32434945-G-C. GRCh37 (hg19) VCF-style: chr11-32456491-G-C.
Other names: c.416C>G, p.Pro139Arg (NM_000378.6, NM_024424.5); short protein forms P139R.
Identifiers: ClinVar variation 241482 (VCV000241482.10), dbSNP rs878855085, ClinGen allele CA10582913.

ClinVar aggregate classification (germline): Uncertain significance. Review status: criteria provided, multiple submitters, no conflicts (2 of 4 stars). 2 submissions from 2 submitters: Uncertain significance (2). Last evaluated 2025-09-21.

Conditions:
Inborn genetic diseases. Identifiers: MedGen C0950123, MeSH D030342.
Frasier syndrome. Identifiers: Orphanet 347, MedGen C0950122, MeSH D052159, MONDO:0007635, OMIM 136680.
Drash syndrome (DDS). Also called: NEPHROPATHY, WILMS TUMOR, AND GENITAL ANOMALIES; WILMS TUMOR AND PSEUDO- OR TRUE HERMAPHRODITISM. Identifiers: Orphanet 220, MedGen C0950121, MONDO:0008682, OMIM 194080.
Wilms tumor 1 (WT1). Also called: Wilms tumor, somatic. Identifiers: Orphanet 654, MedGen CN033288, MONDO:0008679, OMIM 194070.
11p partial monosomy syndrome (WAGR). Also called: WAGR syndrome; WAGR Complex; CHROMOSOME 11p13 DELETION SYNDROME; WAGR Spectrum Disorder. Identifiers: Orphanet 893, MedGen C0206115, MONDO:0008681, OMIM 194072.

Allele frequency attached by ClinVar (database versions not stated): TOPMed below 0.00001.
gnomAD v4.1: 3 of 1,579,692 alleles (0.00019%); highest among the groups gnomAD compares: Non-Finnish European, 0.00026%; no homozygotes.

Submissions (2):

Ambry Genetics
Classification: Uncertain significance for Inborn genetic diseases. Last evaluated: 2025-09-21. Review status: criteria provided, single submitter. Criteria: Ambry Variant Classification Scheme 2023. Collection method: clinical testing. Allele origin: germline.
Comment: The p.P134R variant (also known as c.401C>G), located in coding exon 1 of the WT1 gene, results from a C to G substitution at nucleotide position 401. The proline at codon 134 is replaced by arginine, an amino acid with dissimilar properties. This amino acid position is conserved. In addition, this alteration is predicted to be tolerated by in silico analysis. Based on the available evidence, the clinical significance of this variant remains unclear.

Labcorp Genetics (formerly Invitae), Labcorp
Classification: Uncertain significance for Wilms tumor 1; Drash syndrome; 11p partial monosomy syndrome; Frasier syndrome. Last evaluated: 2023-10-04. Review status: criteria provided, single submitter. Criteria: Invitae Variant Classification Sherloc (09022015). Collection method: clinical testing. Allele origin: germline.
Comment: This sequence change replaces proline, which is neutral and non-polar, with arginine, which is basic and polar, at codon 134 of the WT1 protein (p.Pro134Arg). This variant is not present in population databases (gnomAD no frequency). This variant has not been reported in the literature in individuals affected with WT1-related conditions. ClinVar contains an entry for this variant (Variation ID: 241482). Advanced modeling of protein sequence and biophysical properties (such as structural, functional, and spatial information, amino acid conservation, physicochemical variation, residue mobility, and thermodynamic stability) has been performed at Invitae for this missense variant, however the output from this modeling did not meet the statistical confidence thresholds required to predict the impact of this variant on WT1 protein function. In summary, the available evidence is currently insufficient to determine the role of this variant in disease. Therefore, it has been classified as a Variant of Uncertain Significance.